The following is an entry in ClinVar:

ClinVar aggregate classification (germline): Pathogenic (1 of 4 stars; one submission).

Conditions:
Inborn genetic diseases. Identifiers: MedGen C0950123, MeSH D030342.

Submission:

Ambry Genetics
Classification: Pathogenic for Inborn genetic diseases. Last evaluated: 2020-03-20. Review status: criteria provided, single submitter. Criteria: Ambry Variant Classification Scheme 2023. Collection method: clinical testing. Allele origin: germline.
Comment: The alteration results in a premature stop codon: _x000D_ _x000D_ The c.2134_2135dupAC (p.A713Lfs*9) alteration, located in coding exon 14 of the DCC gene, results from a duplication of AC at position 2134, causing a translational frameshift with a predicted alternate stop codon after 9 amino acids. This alteration is expected to result in loss of function by premature protein truncation or nonsense-mediated mRNA decay. The alteration is not observed in population databases: _x000D_ _x000D_ Based on data from the Genome Aggregation Database (gnomAD), the DCC c.2134_2135dupAC alteration was not observed, with coverage at this position. Based on the available evidence, this alteration is classified as pathogenic.

NM_005215.4(DCC):c.2134_2135dup (p.Ala713fs)

Gene: DCC (DCC netrin 1 receptor; plus strand). Cytogenetic location: 18q21.2.
Variant type: Duplication.
Coding change: c.2134_2135dup on transcript NM_005215.4 (MANE Select); coding-DNA positions 2134 to 2135, 2 bases duplicated (AC; older notation c.2134_2135dupAC).
Protein change: p.Ala713fs; shifts the reading frame from alanine 713.
Molecular consequence: frameshift variant.
Genome position (GRCh38, 1-based): chr18:53,322,127-53,322,128, AC duplicated. VCF-style (leftmost placement, unchanged base first): chr18-53322126-T-TAC. GRCh37 (hg19) VCF-style: chr18-50848496-T-TAC.
Other names: short protein forms A713fs.
Identifiers: ClinVar variation 985049 (VCV000985049.4), dbSNP rs2057418362, ClinGen allele CA1139666108.